The following is an entry in ClinVar:

NM_005199.5(CHRNG):c.806-12G>A

Gene: CHRNG (cholinergic receptor nicotinic gamma subunit; plus strand). Cytogenetic location: 2q37.1.
Variant type: single nucleotide variant.
Coding change: c.806-12G>A on transcript NM_005199.5 (MANE Select); 12 bases into the intron before coding-DNA position 806, G replaced by A.
Molecular consequence: intron variant.
Genome position (GRCh38, 1-based): chr2:232,543,263, G>A. VCF-style: chr2-232543263-G-A. GRCh37 (hg19) VCF-style: chr2-233407973-G-A.
Identifiers: ClinVar variation 2663395 (VCV002663395.1), dbSNP rs748328647, ClinGen allele CA2168815.

ClinVar aggregate classification (germline): Uncertain significance (1 of 4 stars; one submission).

Allele frequency attached by ClinVar (database versions not stated): TOPMed below 0.00001; ExAC 0.00001; gnomAD exomes 0.00001.
gnomAD v4.1: 18 of 1,610,806 alleles (0.0011%); highest among the groups gnomAD compares: East Asian, 0.0022%; no homozygotes.

Submission:

GeneDx
Classification: Uncertain significance. Last evaluated: 2023-04-20. Review status: criteria provided, single submitter. Criteria: GeneDx Variant Classification Process June 2021. Collection method: clinical testing. Allele origin: germline. Affected: yes.
Comment: Not observed at significant frequency in large population cohorts (gnomAD); In silico analysis supports a deleterious effect on splicing; Has not been previously published as pathogenic or benign to our knowledge